The following is an entry in ClinVar:

ClinVar aggregate classification (germline): Likely benign. Review status: criteria provided, multiple submitters, no conflicts (2 of 4 stars). 8 submissions from 8 submitters: Likely benign (4). 4 of the submissions do not count toward it. Last evaluated 2026-04-24.

Conditions:
MIB1-related disorder. Also called: MIB1-related condition.
Inborn genetic diseases. Identifiers: MedGen C0950123, MeSH D030342.

Allele frequency attached by ClinVar (database versions not stated): 1000 Genomes Project 30x 0.00016; 1000 Genomes Project 0.00020; ExAC 0.00022; gnomAD exomes 0.00026 and 0.00063; TOPMed 0.00031; gnomAD 0.00036; ESP Exome Variant Server 0.00038.
gnomAD v4.1: 976 of 1,614,118 alleles (0.06%); highest among the groups gnomAD compares: Non-Finnish European, 0.078%; 1 homozygote.

Submissions (8):

PreventionGenetics, part of Exact Sciences
Classification: Likely benign for MIB1-related condition. Last evaluated: 2026-04-24. Review status: criteria provided, single submitter. Criteria: ACMG Guidelines, 2015. Collection method: clinical testing. Allele origin: germline.
Comment: This variant is classified as likely benign based on ACMG/AMP sequence variant interpretation guidelines (Richards et al. 2015 PMID: 25741868, with internal and published modifications).

GeneDx
Classification: Likely benign. Last evaluated: 2021-01-13. Review status: criteria provided, single submitter. Criteria: GeneDx Variant Classification Process June 2021. Collection method: clinical testing. Allele origin: germline. Affected: yes.

Ambry Genetics
Classification: Likely benign for Inborn genetic diseases. Last evaluated: 2019-05-22. Review status: criteria provided, single submitter. Criteria: Ambry Variant Classification Scheme 2023. Collection method: clinical testing. Allele origin: germline.

Labcorp Genetics (formerly Invitae), Labcorp
Classification: Likely benign. Last evaluated: 2018-05-09. Review status: criteria provided, single submitter. Criteria: Invitae Variant Classification Sherloc (09022015). Collection method: clinical testing. Allele origin: germline.

Clinical Genetics DNA and cytogenetics Diagnostics Lab, Erasmus MC, Erasmus Medical Center
Classification: Likely benign. Review status: no assertion criteria provided. Collection method: clinical testing. Allele origin: germline. Affected: yes. Study: VKGL Data-share Consensus. Not counted in ClinVar's aggregate classification.

Clinical Genetics, Academic Medical Center
Classification: Benign. Review status: no assertion criteria provided. Collection method: clinical testing. Allele origin: germline. Affected: yes. Study: VKGL Data-share Consensus. Not counted in ClinVar's aggregate classification.

Genome Diagnostics Laboratory, University Medical Center Utrecht
Classification: Likely benign. Review status: no assertion criteria provided. Collection method: clinical testing. Allele origin: germline. Affected: yes. Study: VKGL Data-share Consensus. Not counted in ClinVar's aggregate classification.

Joint Genome Diagnostic Labs from Nijmegen and Maastricht, Radboudumc and MUMC+
Classification: Likely benign. Review status: no assertion criteria provided. Collection method: clinical testing. Allele origin: germline. Affected: yes. Study: VKGL Data-share Consensus. Not counted in ClinVar's aggregate classification.

NM_020774.4(MIB1):c.736T>C (p.Leu246=)

Gene: MIB1 (MIB E3 ubiquitin protein ligase 1; plus strand). Cytogenetic location: 18q11.2.
Variant type: single nucleotide variant.
Coding change: c.736T>C on transcript NM_020774.4 (MANE Select); coding-DNA position 736, T replaced by C.
Protein change: p.Leu246=; no amino-acid change (leucine 246 retained).
Molecular consequence: synonymous variant.
Genome position (GRCh38, 1-based): chr18:21,779,513, T>C. VCF-style: chr18-21779513-T-C. GRCh37 (hg19) VCF-style: chr18-19359474-T-C.
Identifiers: ClinVar variation 390978 (VCV000390978.12), dbSNP rs188600853, ClinGen allele CA8908113.